The following is an entry in ClinVar:

NM_007294.4(BRCA1):c.4564T>G (p.Tyr1522Asp)

Gene: BRCA1 (BRCA1 DNA repair associated; minus strand). Cytogenetic location: 17q21.31.
Variant type: single nucleotide variant.
Coding change: c.4564T>G on transcript NM_007294.4 (MANE Select); coding-DNA position 4564, T replaced by G.
Protein change: p.Tyr1522Asp; replaces tyrosine 1522 with aspartic acid.
Molecular consequence: missense variant. On other transcripts: intron variant (3).
Genome position (GRCh38, 1-based): chr17:43,074,442, A>C on the plus strand (T>G on the coding strand, the complement: BRCA1 is on the minus strand). VCF-style: chr17-43074442-A-C. GRCh37 (hg19) VCF-style: chr17-41226459-A-C.
Other names: c.4558T>G, p.Tyr1520Asp (NM_001407640.1, NM_001407641.1, NM_001407642.1 and 14 more transcripts); c.4555T>G, p.Tyr1519Asp (NM_001407644.1, NM_001407645.1); c.4552T>G, p.Tyr1518Asp (NM_001407646.1); c.4549T>G, p.Tyr1517Asp (NM_001407647.1); c.4507T>G, p.Tyr1503Asp (NM_001407648.1); c.4504T>G, p.Tyr1502Asp (NM_001407649.1); c.4564T>G, p.Tyr1522Asp (NM_001407652.1, NM_001407684.1, NM_001407598.1 and 8 more transcripts); c.4486T>G, p.Tyr1496Asp (NM_001407653.1, NM_001407654.1, NM_001407655.1); and 71 more; short protein forms Y1225D, Y1226D, Y1394D, Y1395D, Y1410D, Y1451D, Y1474D, Y1479D.
Identifiers: ClinVar variation 5033187 (VCV005033187.1).

ClinVar aggregate classification (germline): Uncertain significance (1 of 4 stars; one submission).

Conditions:
Hereditary cancer-predisposing syndrome. Also called: Neoplastic Syndromes, Hereditary; Tumor predisposition; Hereditary neoplastic syndrome; Hereditary Cancer Syndrome. Identifiers: Orphanet 140162, MedGen C0027672, MeSH D009386, MONDO:0015356.

Submission:

Ambry Genetics
Classification: Uncertain significance for Hereditary cancer-predisposing syndrome. Last evaluated: 2026-07-07. Review status: criteria provided, single submitter. Criteria: Ambry Variant Classification Scheme 2023. Collection method: clinical testing. Allele origin: germline.
Comment: The p.Y1522D variant (also known as c.4564T>G), located in coding exon 13 of the BRCA1 gene, results from a T to G substitution at nucleotide position 4564. The tyrosine at codon 1522 is replaced by aspartic acid, an amino acid with highly dissimilar properties. This amino acid position is conserved. In addition, the in silico prediction for this alteration is inconclusive. Based on the available evidence, the clinical significance of this variant remains unclear.